The following is an entry in ClinVar:

ClinVar aggregate classification (germline): Uncertain significance (1 of 4 stars; one submission).

Conditions:
Primary ciliary dyskinesia. Also called: Ciliary dyskinesia. Identifiers: Orphanet 244, MedGen C0008780, MONDO:0016575, HP:0012265.

Submission:

Labcorp Genetics (formerly Invitae), Labcorp
Classification: Uncertain significance for Primary ciliary dyskinesia. Last evaluated: 2022-02-08. Review status: criteria provided, single submitter. Criteria: Invitae Variant Classification Sherloc (09022015). Collection method: clinical testing. Allele origin: germline.
Comment: In summary, the available evidence is currently insufficient to determine the role of this variant in disease. Therefore, it has been classified as a Variant of Uncertain Significance. Algorithms developed to predict the effect of missense changes on protein structure and function are either unavailable or do not agree on the potential impact of this missense change (SIFT: "Tolerated"; PolyPhen-2: "Possibly Damaging"; Align-GVGD: "Class C0"). ClinVar contains an entry for this variant (Variation ID: 1005200). This variant has not been reported in the literature in individuals affected with RPGR-related conditions. This variant is not present in population databases (gnomAD no frequency). This sequence change replaces threonine, which is neutral and polar, with isoleucine, which is neutral and non-polar, at codon 497 of the RPGR protein (p.Thr497Ile).

NM_001034853.2(RPGR):c.1490C>T (p.Thr497Ile)

Gene: RPGR (retinitis pigmentosa GTPase regulator; minus strand). Cytogenetic location: Xp11.4.
Variant type: single nucleotide variant.
Coding change: c.1490C>T on transcript NM_001034853.2 (MANE Select); coding-DNA position 1490, C replaced by T.
Protein change: p.Thr497Ile; replaces threonine 497 with isoleucine.
Molecular consequence: missense variant. On other transcripts: non-coding transcript variant (5).
Genome position (GRCh38, 1-based): chrX:38,291,409, G>A on the plus strand (C>T on the coding strand, the complement: RPGR is on the minus strand). VCF-style: chrX-38291409-G-A. GRCh37 (hg19) VCF-style: chrX-38150662-G-A.
Other names: c.1490C>T, p.Thr497Ile (NM_000328.3, NM_001367247.1); c.1487C>T, p.Thr496Ile (NM_001367245.1, NM_001367249.1, NM_001367250.1); c.1304C>T, p.Thr435Ile (NM_001367246.1, NM_001367251.1); c.1520C>T, p.Thr507Ile (NM_001367248.1); short protein forms T435I, T496I, T497I, T507I.
Identifiers: ClinVar variation 1005200 (VCV001005200.9), dbSNP rs2067277205, ClinGen allele CA412737755.